The following is an entry in ClinVar:

ClinVar aggregate classification (germline): Uncertain significance (1 of 4 stars; one submission).

Conditions:
Hereditary cancer-predisposing syndrome. Also called: Neoplastic Syndromes, Hereditary; Tumor predisposition; Hereditary Cancer Syndrome; Hereditary neoplastic syndrome. Identifiers: Orphanet 140162, MedGen C0027672, MeSH D009386, MONDO:0015356.

Submission:

Ambry Genetics
Classification: Uncertain significance for Hereditary cancer-predisposing syndrome. Last evaluated: 2022-05-17. Review status: criteria provided, single submitter. Criteria: Ambry Variant Classification Scheme 2023. Collection method: clinical testing. Allele origin: germline.
Comment: The p.F461Y variant (also known as c.1382T>A), located in coding exon 12 of the MRE11A gene, results from a T to A substitution at nucleotide position 1382. The phenylalanine at codon 461 is replaced by tyrosine, an amino acid with highly similar properties. This amino acid position is conserved. In addition, this alteration is predicted to be deleterious by in silico analysis. Since supporting evidence is limited at this time, the clinical significance of this alteration remains unclear.

NM_005591.4(MRE11):c.1382T>A (p.Phe461Tyr)

Gene: MRE11 (MRE11 double strand break repair nuclease; minus strand). Cytogenetic location: 11q21.
Variant type: single nucleotide variant.
Coding change: c.1382T>A on transcript NM_005591.4 (MANE Select); coding-DNA position 1382, T replaced by A.
Protein change: p.Phe461Tyr; replaces phenylalanine 461 with tyrosine.
Molecular consequence: missense variant.
Genome position (GRCh38, 1-based): chr11:94,459,526, A>T on the plus strand (T>A on the coding strand, the complement: MRE11 is on the minus strand). VCF-style: chr11-94459526-A-T. GRCh37 (hg19) VCF-style: chr11-94192692-A-T.
Other names: c.1382T>A, p.Phe461Tyr (NM_001330347.2, NM_005590.4); short protein forms F461Y.
Identifiers: ClinVar variation 1800021 (VCV001800021.2), dbSNP rs2134991145, ClinGen allele CA382371941.